The following is an entry in ClinVar:

NM_001361.5(DHODH):c.403C>T (p.Arg135Cys)

Gene: DHODH (dihydroorotate dehydrogenase (quinone); plus strand). Cytogenetic location: 16q22.2.
Variant type: single nucleotide variant.
Coding change: c.403C>T on transcript NM_001361.5 (MANE Select); coding-DNA position 403, C replaced by T.
Protein change: p.Arg135Cys; replaces arginine 135 with cysteine.
Molecular consequence: missense variant.
Genome position (GRCh38, 1-based): chr16:72,014,641, C>T. VCF-style: chr16-72014641-C-T. GRCh37 (hg19) VCF-style: chr16-72048540-C-T.
Other names: short protein forms R135C.
Identifiers: ClinVar variation 16801 (VCV000016801.28), dbSNP rs201230446, ClinGen allele CA126897.

ClinVar aggregate classification (germline): Pathogenic/Likely pathogenic. Review status: criteria provided, multiple submitters, no conflicts (2 of 4 stars). 12 submissions from 12 submitters: Pathogenic (6); Likely pathogenic (5). 1 of the submissions does not count toward it. Last evaluated 2026-03-30.

Conditions:
DHODH-related disorder. Also called: DHODH-related condition.
Miller syndrome (POADS). Also called: GENEE-WIEDEMANN SYNDROME; Genee-Wiedemann acrofacial dysostosis. Identifiers: Orphanet 246, MedGen C0265257, MONDO:0009903, OMIM 263750.

Allele frequency attached by ClinVar (database versions not stated): gnomAD 0.00027 and 0.00054; gnomAD exomes 0.00035 and 0.00046; ExAC 0.00038; 1000 Genomes Project 0.00040; ESP Exome Variant Server 0.00042; 1000 Genomes Project 30x 0.00047; TOPMed 0.00067.

Submissions (12):

Dasa
Classification: Pathogenic. Last evaluated: 2026-03-30. Review status: criteria provided, single submitter. Criteria: DASA Assertion Criteria. Collection method: clinical testing. Allele origin: germline.
Comment: NM_001361.5(DHODH):c.403C>T (p.Arg135Cys) is a missense variant that results in the substitution of arginine with cysteine. Functional evidence supports a deleterious effect on the gene or gene product (PMID: 33262786; PMID: 22692683; PMID: 21346561; PMID: 19915526). This variant has been recurrently observed in individuals with related phenotype (PMID: 33262786; PMID: 22692683; PMID: 21346561; PMID: 19915526). Segregation evidence has been reported in affected families. The variant is present at low frequency in population datasets. Based on the available data, this variant is classified as pathogenic.

GeneDx
Classification: Likely pathogenic. Last evaluated: 2025-08-19. Review status: criteria provided, single submitter. Criteria: GeneDx Variant Classification Process June 2021. Collection method: clinical testing. Allele origin: germline. Affected: yes.
Comment: Published in vitro assays demonstrate R135C results in a significant decrease in DHO-dependent reductase activity (PMID: 22967083); In silico analysis supports that this missense variant has a deleterious effect on protein structure/function; This variant is associated with the following publications: (PMID: 23216091, 27219052, 22692683, 26633542, 27814609, 30487145, 31980526, 33262786, 34426522, 31589614, 21346561, 22967083, 19915526, 40297326, 39430512, 40387849, 39977268)

PreventionGenetics, part of Exact Sciences
Classification: Likely pathogenic for DHODH-related condition. Last evaluated: 2025-07-26. Review status: criteria provided, single submitter. Criteria: ACMG Guidelines, 2015. Collection method: clinical testing. Allele origin: germline.
Comment: The DHODH c.403C>T variant is predicted to result in the amino acid substitution p.Arg135Cys. This variant has been reported in individuals with autosomal recessive Miller syndrome (Ng et al. 2010. PubMed ID: 19915526; Rainger et al. 2012. PubMed ID: 22692683; Bukowska-Olech et al. 2020. PubMed ID: 33262786). In vitro functional studies support its pathogenicity (Fang et al. 2012. PubMed ID: 22967083). This variant is reported in 0.065% of alleles in individuals of European (Non-Finnish) descent in gnomAD. This variant is interpreted as likely pathogenic.

Labcorp Genetics (formerly Invitae), Labcorp
Classification: Pathogenic. Last evaluated: 2025-07-24. Review status: criteria provided, single submitter. Criteria: Invitae Variant Classification Sherloc (09022015). Collection method: clinical testing. Allele origin: germline.
Comment: This sequence change replaces arginine, which is basic and polar, with cysteine, which is neutral and slightly polar, at codon 135 of the DHODH protein (p.Arg135Cys). This variant is present in population databases (rs201230446, gnomAD 0.06%). This missense change has been observed in individuals with Miller syndrome (PMID: 19915526, 21346561, 22692683). It has also been observed to segregate with disease in related individuals. ClinVar contains an entry for this variant (Variation ID: 16801). Invitae Evidence Modeling of protein sequence and biophysical properties (such as structural, functional, and spatial information, amino acid conservation, physicochemical variation, residue mobility, and thermodynamic stability) indicates that this missense variant is expected to disrupt DHODH protein function with a positive predictive value of 80%. Experimental studies have shown that this missense change affects DHODH function (PMID: 22692683, 22967083). For these reasons, this variant has been classified as Pathogenic.

Variantyx, Inc.
Classification: Likely pathogenic for Miller syndrome. Last evaluated: 2025-05-13. Review status: criteria provided, single submitter. Criteria: Variantyx Assertion Criteria 2022. Collection method: clinical testing. Allele origin: germline. Inheritance: Autosomal recessive inheritance.
Comment: This is a nonsynonymous variant in the DHODH gene (OMIM: 126064). Pathogenic variants in this gene have been associated with autosomal recessive Miller syndrome. This variant has been identified in the homozygous or compound heterozygous state in at least 4 individuals reported in the published literature (PMID: 22692683, 19915526, 21346561, 33262786) (PM3). Functional studies have shown that this variant alters DHODH protein function (PMID: 22692683, 22967083) (PS3), and multiple computational algorithms predict a deleterious effect for this variant (REVEL score: 0.901) (PP3). This variant has a 0.0563% maximum allele frequency in non-founder control populations (PM2). Based on the current evidence, this variant is classified as likely pathogenic for autosomal recessive Miller syndrome.\

Blueprint Genetics
Classification: Pathogenic for DHODH-related disorders. Last evaluated: 2024-09-20. Review status: criteria provided, single submitter. Criteria: ACMG Guidelines, 2015. Collection method: clinical testing. Allele origin: germline. Affected: yes. Observed: 5 variant alleles.

Laboratorio de Genetica e Diagnostico Molecular, Hospital Israelita Albert Einstein
Classification: Pathogenic for Miller syndrome. Last evaluated: 2024-04-11. Review status: criteria provided, single submitter. Criteria: ACMG Guidelines, 2015. Collection method: clinical testing. Allele origin: germline. Affected: yes.
Comment: ACMG classification criteria: PS3 supporting, PM3 very strong, PP1 supporting, PP3 supporting

3billion
Classification: Likely pathogenic for Miller syndrome. Last evaluated: 2023-08-02. Review status: criteria provided, single submitter. Criteria: ACMG Guidelines, 2015. Collection method: clinical testing. Allele origin: germline. Affected: yes.
Comment: The variant is observed at an extremely low frequency in the gnomAD v2.1.1 dataset (total allele frequency: 0.033%). Predicted Consequence/Location: Missense variant In silico tool predictions suggest damaging effect of the variant on gene or gene product (REVEL: 0.90 (>=0.6, sensitivity 0.68 and specificity 0.92); 3Cnet: 0.92 (>=0.6, sensitivity 0.72 and precision 0.9)). Same nucleotide change resulting in same amino acid change has been previously reported as pathogenic/likely pathogenic with strong evidence (ClinVar ID: VCV000016801 /PMID: 19915526). Therefore, this variant is classified as Likely pathogenic according to the recommendation of ACMG/AMP guideline.

Women's Health and Genetics/Laboratory Corporation of America, LabCorp
Classification: Pathogenic for Miller syndrome. Last evaluated: 2023-07-26. Review status: criteria provided, single submitter. Criteria: LabCorp Variant Classification Summary - May 2015. Collection method: clinical testing. Allele origin: germline.
Comment: Variant summary: DHODH c.403C>T (p.Arg135Cys) results in a non-conservative amino acid change to a highly conserved residue (HGMD) located in the Dihydroorotate dehydrogenase domain (IPR005720) of the encoded protein sequence. Five of five in-silico tools predict a damaging effect of the variant on protein function. The variant allele was found at a frequency of 0.00035 in 249496 control chromosomes (gnomAD). c.403C>T has been reported in the literature in multiple individuals affected with Miller Syndrome (Ng_2010, Rainger_2012, Bukowska-Olech_2020, Al Kaissi_2011), and some were reported as compound heterozygous with another likely pathogenic variant. These data indicate that the variant is very likely to be associated with disease. At least two publications report experimental evidence evaluating an impact on protein function, finding substantial reductions in enzymatic activity (Fang_2012, Rainger_2012). The following publications have been ascertained in the context of this evaluation (PMID: 19915526, 22692683, 33262786, 22967083, 21346561). Five submitters have cited clinical-significance assessments for this variant to ClinVar after 2014. All submitters classified the variant as pathogenic/likely pathogenic. Based on the evidence outlined above, the variant was classified as pathogenic.

Laboratory for Molecular Medicine, Mass General Brigham Personalized Medicine
Classification: Likely pathogenic for Miller syndrome. Last evaluated: 2018-08-23. Review status: criteria provided, single submitter. Criteria: LMM Criteria. Collection method: clinical testing. Allele origin: germline. Inheritance: Autosomal recessive inheritance. Observed: 1 variant allele.
Comment: The p.Arg135Cys variant in DHODH has been reported in 4 compound heterozygous in dividuals with Miller syndrome (Ng 2010, Al Kaissi 2011, Rainger 2012) and segre gated with disease in 1 affected family member (Rainger 2012). This variant has also been reported in ClinVar (Variation ID 16801). This variant has been identi fied in 0.065% (82/126694) of European chromosomes by the Genome Aggregation Dat abase (gnomAD). Although this variant has been seen in the general population, its frequency is low enough to be consistent wi th a recessive carrier frequency. In vitro functional studies provide some evide nce that the p.Arg135Cys variant may impact protein function (Rainger 2012, Fang 2012); however, these types of assays may not accurately represent biological f unction. In summary, although additional studies are required to fully establish its clinical significance, the p.Arg135Cys variant is likely pathogenic for Mil ler syndrome in an autosomal recessive manner based upon presence in affected in dividuals, low frequency in controls, functional evidence. ACMG/AMP Criteria app lied: PM3_Strong, PM2_Supporting, PP1, PP3.

Illumina Laboratory Services, Illumina
Classification: Pathogenic for Miller syndrome. Last evaluated: 2017-04-27. Review status: criteria provided, single submitter. Criteria: ICSL Variant Classification Criteria 09 May 2019. Collection method: clinical testing. Allele origin: germline.
Comment: The DHODH c.403C>T (p.Arg135Cys) missense variant has been reported in at least three studies in which it is found in a total of five patients with postaxial acrofacial dysostosis (Miller syndrome) in a compound heterozygous state (Ng et al. 2010; Al Kaissi et al. 2011; Rainger et al. 2012). The variant was found in a heterozygous state in two of 137 controls and is reported at a frequency of 0.0006314 in the European (non-Finnish) population of the Exome Aggregation Consortium. Functional studies utilizing in vitro biochemical analysis in HeLa cell lines that stably expressed the variant protein demonstrated reduced activity of the DHODH enzyme compared to wild type (Fang et al. 2012; Rainger et al. 2012). Based on the evidence, the p.Arg135Cys variant is classified as pathogenic for postaxial acrofacial dysostosis. This variant was observed by ICSL as part of a predisposition screen in an ostensibly healthy population.

OMIM
Classification: Pathogenic for MILLER SYNDROME. Last evaluated: 2010-01-01. Review status: no assertion criteria provided. Collection method: literature only. Allele origin: germline. Not counted in ClinVar's aggregate classification.

Literature cited by the submitters: PubMed 33262786 (cited by 3 submitters); PubMed 22692683 (cited by 6 submitters); PubMed 21346561 (cited by 6 submitters); PubMed 19915526 (cited by 8 submitters); PubMed 22967083 (cited by 5 submitters).